The following is an entry in ClinVar:

NM_152383.5(DIS3L2):c.2278G>A (p.Val760Ile)

Gene: DIS3L2 (DIS3 like 3'-5' exoribonuclease 2; plus strand). Cytogenetic location: 2q37.1.
Variant type: single nucleotide variant.
Coding change: c.2278G>A on transcript NM_152383.5 (MANE Select); coding-DNA position 2278, G replaced by A.
Protein change: p.Val760Ile; replaces valine 760 with isoleucine.
Molecular consequence: missense variant. On other transcripts: non-coding transcript variant (2), intron variant (1).
Genome position (GRCh38, 1-based): chr2:232,334,488, G>A. VCF-style: chr2-232334488-G-A. GRCh37 (hg19) VCF-style: chr2-233199198-G-A.
Other names: c.1582-8857G>A (NM_001257281.2); short protein forms V760I.
Identifiers: ClinVar variation 2778532 (VCV002778532.3), dbSNP rs397834106, ClinGen allele CA2164472.
Genomic context (GRCh38, chr2:232,334,488, plus strand): 5'-AACGACCGCCGCATGGCGTCCAAGCGCGTGCAGGAGCTCAGTACCAGTCTCTTCTTTGCT[G>A]TTCTGGTCAAGGTGAGCCCTCCAGCCTGGTGCCCCTCACCTCCCTCTGGCTCCCGACCCT-3'
Protein context (NP_689596.4, residues 750-770): QELSTSLFFA[Val760Ile]LVKESGPLES

ClinVar aggregate classification (germline): Uncertain significance (1 of 4 stars; one submission).

Conditions:
Perlman syndrome (PRLMNS). Identifiers: Orphanet 2849, MedGen C0796113, MONDO:0009965, OMIM 267000.

Allele frequency attached by ClinVar (database versions not stated): TOPMed below 0.00001; ExAC 0.00001.
gnomAD v4.1: 3 of 1,613,894 alleles (0.00019%); highest among the groups gnomAD compares: African/African-American, 0.0013%; no homozygotes.

Submission:

Labcorp Genetics (formerly Invitae), Labcorp
Classification: Uncertain significance for Perlman syndrome. Last evaluated: 2022-12-21. Review status: criteria provided, single submitter. Criteria: Invitae Variant Classification Sherloc (09022015). Collection method: clinical testing. Allele origin: germline.
Comment: In summary, the available evidence is currently insufficient to determine the role of this variant in disease. Therefore, it has been classified as a Variant of Uncertain Significance. Advanced modeling of protein sequence and biophysical properties (such as structural, functional, and spatial information, amino acid conservation, physicochemical variation, residue mobility, and thermodynamic stability) performed at Invitae indicates that this missense variant is not expected to disrupt DIS3L2 protein function. This variant has not been reported in the literature in individuals affected with DIS3L2-related conditions. This variant is present in population databases (rs397834106, gnomAD 0.0009%). This sequence change replaces valine, which is neutral and non-polar, with isoleucine, which is neutral and non-polar, at codon 760 of the DIS3L2 protein (p.Val760Ile).